The following is an entry in ClinVar:

ClinVar aggregate classification (germline): Uncertain significance. Review status: criteria provided, multiple submitters, no conflicts (2 of 4 stars). 2 submissions from 2 submitters: Uncertain significance (2). Last evaluated 2025-04-05.

Conditions:
Inborn genetic diseases. Identifiers: MedGen C0950123, MeSH D030342.
DDX41-related hematologic malignancy predisposition syndrome. Also called: DDX41-Associated Familial Myelodysplastic Syndrome and Acute Myeloid Leukemia; Myeloproliferative/lymphoproliferative neoplasms, familial (multiple types), susceptibility to. Identifiers: Orphanet 488647, MedGen C4225174, MONDO:0014809, OMIM 616871.

Allele frequency attached by ClinVar (database versions not stated): TOPMed 0.00002.

Submissions (2):

Ambry Genetics
Classification: Uncertain significance for Inborn genetic diseases. Last evaluated: 2025-04-05. Review status: criteria provided, single submitter. Criteria: Ambry Variant Classification Scheme 2023. Collection method: clinical testing. Allele origin: germline.
Comment: The p.Y280C variant (also known as c.839A>G), located in coding exon 9 of the DDX41 gene, results from an A to G substitution at nucleotide position 839. The tyrosine at codon 280 is replaced by cysteine, an amino acid with highly dissimilar properties. This amino acid position is conserved. In addition, the in silico prediction for this alteration is inconclusive. Based on the available evidence, the clinical significance of this variant remains unclear.

Baylor Genetics
Classification: Uncertain significance for DDX41-related hematologic malignancy predisposition syndrome. Last evaluated: 2023-11-13. Review status: criteria provided, single submitter. Criteria: ACMG Guidelines, 2015. Collection method: clinical testing. Allele origin: unknown.

NM_016222.4(DDX41):c.839A>G (p.Tyr280Cys)

Gene: DDX41 (DEAD-box helicase 41; minus strand). Cytogenetic location: 5q35.3.
Variant type: single nucleotide variant.
Coding change: c.839A>G on transcript NM_016222.4 (MANE Select); coding-DNA position 839, A replaced by G.
Protein change: p.Tyr280Cys; replaces tyrosine 280 with cysteine.
Molecular consequence: missense variant.
Genome position (GRCh38, 1-based): chr5:177,514,797, T>C on the plus strand (A>G on the coding strand, the complement: DDX41 is on the minus strand). VCF-style: chr5-177514797-T-C. GRCh37 (hg19) VCF-style: chr5-176941798-T-C.
Other names: c.461A>G, p.Tyr154Cys (NM_001321732.2, NM_001321830.2); c.839A>G (NM_016222.2); short protein forms Y154C, Y280C.
Identifiers: ClinVar variation 3241312 (VCV003241312.2), dbSNP rs1761146090.